The following is an entry in ClinVar:

ClinVar aggregate classification (germline): Uncertain significance (1 of 4 stars; one submission).

Submission:

GeneDx
Classification: Uncertain significance. Last evaluated: 2026-03-31. Review status: criteria provided, single submitter. Criteria: GeneDx Variant Classification Process June 2021. Collection method: clinical testing. Allele origin: germline.
Comment: Not observed at significant frequency in large population cohorts (gnomAD); In silico analysis suggests that this missense variant does not alter protein structure/function; Has not been previously published as pathogenic or benign to our knowledge

NM_001378418.1(TCF20):c.5396C>G (p.Pro1799Arg)

Gene: TCF20 (transcription factor 20; minus strand). Cytogenetic location: 22q13.2.
Variant type: single nucleotide variant.
Coding change: c.5396C>G on transcript NM_001378418.1 (MANE Select); coding-DNA position 5396, C replaced by G.
Protein change: p.Pro1799Arg; replaces proline 1799 with arginine.
Molecular consequence: missense variant.
Genome position (GRCh38, 1-based): chr22:42,209,910, G>C on the plus strand (C>G on the coding strand, the complement: TCF20 is on the minus strand). VCF-style: chr22-42209910-G-C. GRCh37 (hg19) VCF-style: chr22-42605916-G-C.
Other names: c.5396C>G, p.Pro1799Arg (NM_005650.4, NM_181492.3); short protein forms P1799R.
Identifiers: ClinVar variation 5018028 (VCV005018028.1).
Genomic context (GRCh38, chr22:42,209,910, plus strand): 5'-TTTTCACTGCTGCCCTCAGTGGCTGCTTTTTTACAAGGGAGCCCCCTGGACAGGGACCGA[G>C]GGCCTCCACCACAGTCTTCCGAGCGGTGGCGCCGCTTAAACCTGGGGTGTGCGGCCAGGC-3'
Protein context (NP_001365347.1, residues 1789-1809): RHRSEDCGGG[Pro1799Arg]RSLSRGLPCK